The following is an entry in ClinVar:

ClinVar aggregate classification (germline): Uncertain significance (1 of 4 stars; one submission).

Conditions:
Gillespie syndrome (GLSP). Also called: Aniridia-cerebellar ataxia-intellectual disability syndrome; Aniridia, cerebellar ataxia, and mental deficiency. Identifiers: Orphanet 1065, MedGen C0431401, MONDO:0008795, OMIM 206700.

Submission:

3billion
Classification: Uncertain significance for Gillespie syndrome. Last evaluated: 2025-10-28. Review status: criteria provided, single submitter. Criteria: ACMG Guidelines, 2015. Collection method: clinical testing. Allele origin: germline. Affected: yes.
Comment: The variant is not observed in the gnomAD v4.1.0 dataset. Predicted Consequence/Location: Intron variant In silico tools predict the variant to alter splicing and produce an abnormal transcript [SpliceAI: 0.34 (>=0.2, moderate evidence for spliceogenicity)]. Therefore, this variant is classified as VUS according to the recommendation of ACMG/AMP guideline.

NM_001378452.1(ITPR1):c.4030-1055G>A

Gene: ITPR1 (inositol 1,4,5-trisphosphate receptor type 1; plus strand). Cytogenetic location: 3p26.1.
Variant type: single nucleotide variant.
Coding change: c.4030-1055G>A on transcript NM_001378452.1 (MANE Select); 1055 bases into the intron before coding-DNA position 4030, G replaced by A.
Molecular consequence: intron variant.
Genome position (GRCh38, 1-based): chr3:4,692,435, G>A. VCF-style: chr3-4692435-G-A. GRCh37 (hg19) VCF-style: chr3-4734119-G-A.
Other names: c.4003-1055G>A (NM_001099952.4); c.3985-1055G>A (NM_001168272.2); c.3958-1055G>A (NM_002222.7).
Identifiers: ClinVar variation 4854411 (VCV004854411.1).